The following is an entry in ClinVar:

NM_000537.4(REN):c.251C>A (p.Thr84Asn)

Gene: REN (renin; minus strand). Cytogenetic location: 1q32.1.
Variant type: single nucleotide variant.
Coding change: c.251C>A on transcript NM_000537.4 (MANE Select); coding-DNA position 251, C replaced by A.
Protein change: p.Thr84Asn; replaces threonine 84 with asparagine.
Molecular consequence: missense variant.
Genome position (GRCh38, 1-based): chr1:204,161,414, G>T on the plus strand (C>A on the coding strand, the complement: REN is on the minus strand). VCF-style: chr1-204161414-G-T. GRCh37 (hg19) VCF-style: chr1-204130542-G-T.
Other names: short protein forms T84N.
Identifiers: ClinVar variation 2155228 (VCV002155228.7), dbSNP rs370001090, ClinGen allele CA1344991.

ClinVar aggregate classification (germline): Uncertain significance. Review status: criteria provided, multiple submitters, no conflicts (2 of 4 stars). 2 submissions from 2 submitters: Uncertain significance (2). Last evaluated 2025-09-09.

Allele frequency attached by ClinVar (database versions not stated): TOPMed 0.00001; gnomAD 0.00005; ESP Exome Variant Server 0.00008; gnomAD exomes 0.00008; ExAC 0.00022; 1000 Genomes Project 30x 0.00047; 1000 Genomes Project 0.00060.
gnomAD v4.1: 134 of 1,556,942 alleles (0.0086%); highest among the groups gnomAD compares: South Asian, 0.14%; 3 homozygotes.

Submissions (2):

Labcorp Genetics (formerly Invitae), Labcorp
Classification: Uncertain significance. Last evaluated: 2025-09-09. Review status: criteria provided, single submitter. Criteria: Invitae Variant Classification Sherloc (09022015). Collection method: clinical testing. Allele origin: germline.
Comment: This sequence change replaces threonine, which is neutral and polar, with asparagine, which is neutral and polar, at codon 84 of the REN protein (p.Thr84Asn). This variant is present in population databases (rs370001090, gnomAD 0.2%). This variant has not been reported in the literature in individuals affected with REN-related conditions. ClinVar contains an entry for this variant (Variation ID: 2155228). An algorithm developed to predict the effect of missense changes on protein structure and function (PolyPhen-2) suggests that this variant is likely to be tolerated. In summary, the available evidence is currently insufficient to determine the role of this variant in disease. Therefore, it has been classified as a Variant of Uncertain Significance.

Revvity Omics, Revvity
Classification: Uncertain significance. Last evaluated: 2021-07-28. Review status: criteria provided, single submitter. Criteria: ACMG Guidelines, 2015. Collection method: clinical testing. Allele origin: germline.